The following is an entry in ClinVar:

ClinVar aggregate classification (germline): Uncertain significance (1 of 4 stars; one submission).

Conditions:
Hereditary cancer-predisposing syndrome. Also called: Hereditary neoplastic syndrome; Neoplastic Syndromes, Hereditary; Tumor predisposition; Hereditary Cancer Syndrome. Identifiers: Orphanet 140162, MedGen C0027672, MeSH D009386, MONDO:0015356.

gnomAD v4.1: 1 of 1,614,116 alleles (0.000062%); highest among the groups gnomAD compares: Non-Finnish European, 0.000085%; no homozygotes.

Submission:

Ambry Genetics
Classification: Uncertain significance for Hereditary cancer-predisposing syndrome. Last evaluated: 2025-07-18. Review status: criteria provided, single submitter. Criteria: Ambry Variant Classification Scheme 2023. Collection method: clinical testing. Allele origin: germline.
Comment: The p.S597N variant (also known as c.1790G>A), located in coding exon 13 of the PTCH1 gene, results from a G to A substitution at nucleotide position 1790. The serine at codon 597 is replaced by asparagine, an amino acid with highly similar properties. This amino acid position is conserved. In addition, this alteration is predicted to be deleterious by in silico analysis. Based on the available evidence, the clinical significance of this variant remains unclear.

NM_000264.5(PTCH1):c.1790G>A (p.Ser597Asn)

Genes: PTCH1 (patched 1; minus strand), LOC100507346 (uncharacterized LOC100507346; plus strand). Cytogenetic location: 9q22.32.
Variant type: single nucleotide variant.
Coding change: c.1790G>A on transcript NM_000264.5 (MANE Select); coding-DNA position 1790, G replaced by A.
Protein change: p.Ser597Asn; replaces serine 597 with asparagine.
Molecular consequence: missense variant. On other transcripts: non-coding transcript variant (2).
Genome position (GRCh38, 1-based): chr9:95,469,870, C>T on the plus strand (G>A on the coding strand, the complement: PTCH1 is on the minus strand). VCF-style: chr9-95469870-C-T. GRCh37 (hg19) VCF-style: chr9-98232152-C-T.
Other names: c.1337G>A, p.Ser446Asn (NM_001083607.3, NM_001083604.3, NM_001083605.3 and 1 more transcripts); c.1634G>A, p.Ser545Asn (NM_001354918.2); c.1592G>A, p.Ser531Asn (NM_001083602.3); c.1787G>A, p.Ser596Asn (NM_001083603.3); short protein forms S446N, S545N, S596N, S597N, S531N.
Identifiers: ClinVar variation 4146869 (VCV004146869.1).